The following is an entry in ClinVar:

ClinVar aggregate classification (germline): Uncertain significance (1 of 4 stars; one submission).

Conditions:
Cardiovascular phenotype. Identifiers: MedGen CN230736.

Submission:

Ambry Genetics
Classification: Uncertain significance for Cardiovascular phenotype. Last evaluated: 2025-02-13. Review status: criteria provided, single submitter. Criteria: Ambry Variant Classification Scheme 2023. Collection method: clinical testing. Allele origin: germline.
Comment: The c.306+4_306+7delAGTA intronic variant, located in intron 2 of the AKAP9 gene, results from a deletion of 4 nucleotides within intron 2 of the AKAP9 gene. These nucleotide positions range from highly to not well conserved in available vertebrate species. In silico splice site analysis predicts that this alteration will weaken the native splice donor site. Based on the available evidence, the clinical significance of this variant remains unclear.

NM_005751.5(AKAP9):c.306+4_306+7del

Gene: AKAP9 (A-kinase anchoring protein 9; plus strand). Cytogenetic location: 7q21.2.
Variant type: Microsatellite.
Coding change: c.306+4_306+7del on transcript NM_005751.5 (MANE Select); bases 4 to 7 of the intron after coding-DNA position 306, 4 bases deleted (AGTA; older notation c.306+4_306+7delAGTA).
Molecular consequence: splice donor variant.
Genome position (GRCh38, 1-based): chr7:91,973,972-91,973,975, AGTA deleted; deleting any 4 consecutive bases within chr7:91,973,967-91,973,975 gives the same sequence; the c. name uses the placement nearest the transcript's 3' end. VCF-style (leftmost placement, unchanged base first): chr7-91973966-GAAGT-G. GRCh37 (hg19) VCF-style: chr7-91603280-GAAGT-G.
Other names: c.306+4_306+7del (NM_147185.3).
Identifiers: ClinVar variation 1799365 (VCV001799365.3), dbSNP rs2484599443, ClinGen allele CA2580615912.